The following is an entry in ClinVar:

ClinVar aggregate classification (germline): Uncertain significance (0 of 4 stars; one submission).

Conditions:
DIPK2B-related disorder. Also called: DIPK2B-related condition.

Submission:

PreventionGenetics, part of Exact Sciences
Classification: Uncertain significance for DIPK2B-related condition. Last evaluated: 2024-07-19. Review status: no assertion criteria provided. Collection method: clinical testing. Allele origin: germline.
Comment: The DIPK2B c.691G>A variant is predicted to result in the amino acid substitution p.Gly231Arg. To our knowledge, this variant has not been reported in the literature or in a large population database, indicating this variant is rare. At this time, the clinical significance of this variant is uncertain due to the absence of conclusive functional and genetic evidence.

NM_176819.4(DIPK2B):c.691G>A (p.Gly231Arg)

Gene: DIPK2B (divergent protein kinase domain 2B; minus strand). Cytogenetic location: Xp11.3.
Variant type: single nucleotide variant.
Coding change: c.691G>A on transcript NM_176819.4 (MANE Select); coding-DNA position 691, G replaced by A.
Protein change: p.Gly231Arg; replaces glycine 231 with arginine.
Molecular consequence: missense variant.
Genome position (GRCh38, 1-based): chrX:45,154,180, C>T on the plus strand (G>A on the coding strand, the complement: DIPK2B is on the minus strand). VCF-style: chrX-45154180-C-T. GRCh37 (hg19) VCF-style: chrX-45013425-C-T.
Other names: short protein forms G231R.
Identifiers: ClinVar variation 3344498 (VCV003344498.1).